The following is an entry in ClinVar:

ClinVar aggregate classification (germline): Benign. Review status: criteria provided, multiple submitters, no conflicts (2 of 4 stars). 4 submissions from 4 submitters: Benign (4). Last evaluated 2026-02-03.

Conditions:
Pyridoxine-dependent epilepsy (EPEO4). Also called: Pyridoxine-Dependent Seizures; PYRIDOXINE DEPENDENCY WITH SEIZURES; Pyridoxine-Dependent Epilepsy - ALDH7A1; EPILEPSY, EARLY-ONSET, 4, VITAMIN B6-DEPENDENT. Identifiers: Orphanet 3006, MedGen C1849508, MONDO:0009945, OMIM 266100. Disease mechanism: loss of function.

Allele frequency attached by ClinVar (database versions not stated): gnomAD 0.00586; 1000 Genomes Project 0.00499; ESP Exome Variant Server 0.00730; 1000 Genomes Project 30x 0.00500; TOPMed 0.00614.
gnomAD v4.1: 1,852 of 1,605,078 alleles (0.12%); highest among the groups gnomAD compares: African/African-American, 2%; 16 homozygotes.

Submissions (4):

Labcorp Genetics (formerly Invitae), Labcorp
Classification: Benign for Pyridoxine-dependent epilepsy. Last evaluated: 2026-02-03. Review status: criteria provided, single submitter. Criteria: Invitae Variant Classification Sherloc (09022015). Collection method: clinical testing. Allele origin: germline.

ARUP Laboratories, Molecular Genetics and Genomics, ARUP Laboratories
Classification: Benign for Pyridoxine-dependent epilepsy. Last evaluated: 2025-04-08. Review status: criteria provided, single submitter. Criteria: ARUP Molecular Germline Variant Investigation Process 2024. Collection method: clinical testing. Allele origin: germline.

Genome-Nilou Lab
Classification: Benign for Pyridoxine-dependent epilepsy. Last evaluated: 2023-04-11. Review status: criteria provided, single submitter. Criteria: ACMG Guidelines, 2015. Collection method: clinical testing. Allele origin: germline. Affected: no.

GeneDx
Classification: Benign. Last evaluated: 2013-04-08. Review status: criteria provided, single submitter. Criteria: GeneDx Variant Classification (06012015). Collection method: clinical testing. Allele origin: germline. Affected: yes.
Comment: This variant is considered likely benign or benign based on one or more of the following criteria: it is a conservative change, it occurs at a poorly conserved position in the protein, it is predicted to be benign by multiple in silico algorithms, and/or has population frequency not consistent with disease.

NM_001182.5(ALDH7A1):c.1094-20C>G

Gene: ALDH7A1 (aldehyde dehydrogenase 7 family member A1; minus strand). Cytogenetic location: 5q23.2.
Variant type: single nucleotide variant.
Coding change: c.1094-20C>G on transcript NM_001182.5 (MANE Select); 20 bases into the intron before coding-DNA position 1094, C replaced by G.
Molecular consequence: intron variant.
Genome position (GRCh38, 1-based): chr5:126,554,413, G>C on the plus strand (C>G on the coding strand, the complement: ALDH7A1 is on the minus strand). VCF-style: chr5-126554413-G-C. GRCh37 (hg19) VCF-style: chr5-125890105-G-C.
Other names: c.1009-2276C>G (NM_001202404.2); c.1010-20C>G (NM_001201377.2).
Identifiers: ClinVar variation 136374 (VCV000136374.10), dbSNP rs113775968, ClinGen allele CA289412.